The following is an entry in ClinVar:

ClinVar aggregate classification (germline): Likely pathogenic (1 of 4 stars; one submission).

Conditions:
Primary ciliary dyskinesia. Also called: Ciliary dyskinesia. Identifiers: Orphanet 244, MedGen C0008780, MONDO:0016575, HP:0012265.

Submission:

Labcorp Genetics (formerly Invitae), Labcorp
Classification: Likely pathogenic for Primary ciliary dyskinesia. Last evaluated: 2018-10-08. Review status: criteria provided, single submitter. Criteria: Invitae Variant Classification Sherloc (09022015). Collection method: clinical testing. Allele origin: germline.
Comment: This sequence change affects a donor splice site in intron 72 of the DNAH5 gene. It is expected to disrupt RNA splicing and likely results in an absent or disrupted protein product. This variant is not present in population databases (ExAC no frequency). This variant has not been reported in the literature in individuals with DNAH5-related disease. Algorithms developed to predict the effect of sequence changes on RNA splicing suggest that this variant may disrupt the consensus splice site, but this prediction has not been confirmed by published transcriptional studies. Donor and acceptor splice site variants typically lead to a loss of protein function (PMID: 16199547), and loss-of-function variants in DNAH5 are known to be pathogenic (PMID: 11788826, 16627867). In summary, the currently available evidence indicates that the variant is pathogenic, but additional data are needed to prove that conclusively. Therefore, this variant has been classified as Likely Pathogenic.

Literature cited by the submitters: PubMed 16199547; PubMed 11788826; PubMed 16627867.

NM_001369.3(DNAH5):c.12499+1G>A

Gene: DNAH5 (dynein axonemal heavy chain 5; minus strand). Cytogenetic location: 5p15.2.
Variant type: single nucleotide variant.
Coding change: c.12499+1G>A on transcript NM_001369.3 (MANE Select); the canonical splice donor site of the intron after coding-DNA position 12499, G replaced by A.
Molecular consequence: splice donor variant.
Genome position (GRCh38, 1-based): chr5:13,718,881, C>T on the plus strand (G>A on the coding strand, the complement: DNAH5 is on the minus strand). VCF-style: chr5-13718881-C-T. GRCh37 (hg19) VCF-style: chr5-13718990-C-T.
Identifiers: ClinVar variation 660214 (VCV000660214.8), dbSNP rs1579894454, ClinGen allele CA359208738.